The following is an entry in ClinVar:

ClinVar aggregate classification (germline): Uncertain significance (1 of 4 stars; one submission).

Submission:

GeneDx
Classification: Uncertain significance. Last evaluated: 2022-11-22. Review status: criteria provided, single submitter. Criteria: GeneDx Variant Classification Process June 2021. Collection method: clinical testing. Allele origin: germline. Affected: yes.
Comment: Not observed at significant frequency in large population cohorts (gnomAD); Frameshift variant predicted to result in protein truncation as the last 5 amino acids are replaced with 49 different amino acids, although loss-of-function variants have not been reported downstream of this position in the protein; Has not been previously published as pathogenic or benign to our knowledge

NM_001083614.2(EARS2):c.1556del (p.Lys519fs)

Gene: EARS2 (glutamyl-tRNA synthetase 2, mitochondrial; minus strand). Cytogenetic location: 16p12.2.
Variant type: Deletion.
Coding change: c.1556del on transcript NM_001083614.2 (MANE Select); coding-DNA position 1556, one base deleted (A; older notation c.1556delA).
Protein change: p.Lys519fs; shifts the reading frame from lysine 519.
Molecular consequence: frameshift variant. On other transcripts: non-coding transcript variant (1).
Genome position (GRCh38, 1-based): chr16:23,524,387, T deleted on the plus strand (A on the coding strand, the reverse complement: EARS2 is on the minus strand); the first of 2 consecutive T bases (chr16:23,524,387-23,524,388); deleting either gives the same sequence. VCF-style (leftmost placement, unchanged base first): chr16-23524386-CT-C. GRCh37 (hg19) VCF-style: chr16-23535707-CT-C.
Other names: c.1555delA, p.Lys519Argfs (NM_133451.1); short protein forms K519fs.
Identifiers: ClinVar variation 2502597 (VCV002502597.1), dbSNP rs2506830195, ClinGen allele CA2580613439.